The following is an entry in ClinVar:

ClinVar aggregate classification (germline): Uncertain significance (1 of 4 stars; one submission).

gnomAD v4.1: 79 of 1,609,854 alleles (0.0049%); highest among the groups gnomAD compares: Non-Finnish European, 0.0066%; no homozygotes.

Submission:

Labcorp Genetics (formerly Invitae), Labcorp
Classification: Uncertain significance. Last evaluated: 2025-05-18. Review status: criteria provided, single submitter. Criteria: Invitae Variant Classification Sherloc (09022015). Collection method: clinical testing. Allele origin: germline.
Comment: This sequence change replaces valine, which is neutral and non-polar, with isoleucine, which is neutral and non-polar, at codon 14 of the NAXE protein (p.Val14Ile). This variant is present in population databases (no rsID available, gnomAD 0.004%). This variant has not been reported in the literature in individuals affected with NAXE-related conditions. Experimental studies and prediction algorithms are not available or were not evaluated, and the functional significance of this variant is currently unknown. In summary, the available evidence is currently insufficient to determine the role of this variant in disease. Therefore, it has been classified as a Variant of Uncertain Significance.

NM_144772.3(NAXE):c.40G>A (p.Val14Ile)

Gene: NAXE (NAD(P)HX epimerase; plus strand). Cytogenetic location: 1q22.
Variant type: single nucleotide variant.
Coding change: c.40G>A on transcript NM_144772.3 (MANE Select); coding-DNA position 40, G replaced by A.
Protein change: p.Val14Ile; replaces valine 14 with isoleucine.
Molecular consequence: missense variant.
Genome position (GRCh38, 1-based): chr1:156,591,844, G>A. VCF-style: chr1-156591844-G-A. GRCh37 (hg19) VCF-style: chr1-156561636-G-A.
Other names: short protein forms V14I.
Identifiers: ClinVar variation 4708739 (VCV004708739.1).